The following is an entry in ClinVar:

NM_020919.4(ALS2):c.1325G>C (p.Gly442Ala)

Gene: ALS2 (alsin Rho guanine nucleotide exchange factor ALS2; minus strand). Cytogenetic location: 2q33.1.
Variant type: single nucleotide variant.
Coding change: c.1325G>C on transcript NM_020919.4 (MANE Select); coding-DNA position 1325, G replaced by C.
Protein change: p.Gly442Ala; replaces glycine 442 with alanine.
Molecular consequence: missense variant.
Genome position (GRCh38, 1-based): chr2:201,757,548, C>G on the plus strand (G>C on the coding strand, the complement: ALS2 is on the minus strand). VCF-style: chr2-201757548-C-G. GRCh37 (hg19) VCF-style: chr2-202622271-C-G.
Other names: short protein forms G442A.
Identifiers: ClinVar variation 655414 (VCV000655414.8), dbSNP rs780750146, ClinGen allele CA350326772.

ClinVar aggregate classification (germline): Uncertain significance (1 of 4 stars; one submission).

Conditions:
Infantile-onset ascending hereditary spastic paralysis (IAHSP). Also called: Autosomal Recessive Juvenile Amyotrophic Lateral Sclerosis; Infantile-Onset Ascending Hereditary Spastic Paralysis (IAHSP). Identifiers: Orphanet 293168, MedGen C2931441, MONDO:0011797, OMIM 607225. Disease mechanism: loss of function.

Submission:

Labcorp Genetics (formerly Invitae), Labcorp
Classification: Uncertain significance for Infantile-onset ascending hereditary spastic paralysis. Last evaluated: 2021-08-21. Review status: criteria provided, single submitter. Criteria: Invitae Variant Classification Sherloc (09022015). Collection method: clinical testing. Allele origin: germline.
Comment: This sequence change replaces glycine with alanine at codon 442 of the ALS2 protein (p.Gly442Ala). The glycine residue is moderately conserved and there is a small physicochemical difference between glycine and alanine. This variant is not present in population databases (ExAC no frequency). This variant has not been reported in the literature in individuals with ALS2-related disease. Algorithms developed to predict the effect of missense changes on protein structure and function (SIFT, PolyPhen-2, Align-GVGD) all suggest that this variant is likely to be tolerated, but these predictions have not been confirmed by published functional studies and their clinical significance is uncertain. In summary, the available evidence is currently insufficient to determine the role of this variant in disease. Therefore, it has been classified as a Variant of Uncertain Significance.